The following is an entry in ClinVar:

ClinVar aggregate classification (germline): Uncertain significance (1 of 4 stars; one submission).

Submission:

Ambry Genetics
Classification: Uncertain significance. Last evaluated: 2022-04-19. Review status: criteria provided, single submitter. Criteria: Ambry Variant Classification Scheme 2023. Collection method: clinical testing. Allele origin: germline.
Comment: The p.F1073L variant (also known as c.3219C>G), located in coding exon 28 of the KIF1B gene, results from a C to G substitution at nucleotide position 3219. The phenylalanine at codon 1073 is replaced by leucine, an amino acid with highly similar properties. This amino acid position is conserved. In addition, this alteration is predicted to be deleterious by in silico analysis. Since supporting evidence is limited at this time, the clinical significance of this alteration remains unclear.

NM_001365951.3(KIF1B):c.3357C>G (p.Phe1119Leu)

Gene: KIF1B (kinesin family member 1B; plus strand). Cytogenetic location: 1p36.22.
Variant type: single nucleotide variant.
Coding change: c.3357C>G on transcript NM_001365951.3 (MANE Select); coding-DNA position 3357, C replaced by G.
Protein change: p.Phe1119Leu; replaces phenylalanine 1119 with leucine.
Molecular consequence: missense variant.
Genome position (GRCh38, 1-based): chr1:10,337,468, C>G. VCF-style: chr1-10337468-C-G. GRCh37 (hg19) VCF-style: chr1-10397526-C-G.
Other names: c.3357C>G, p.Phe1119Leu (NM_001365952.1); c.3219C>G, p.Phe1073Leu (NM_015074.3); short protein forms F1073L, F1119L.
Identifiers: ClinVar variation 1729020 (VCV001729020.3), dbSNP rs2521721980, ClinGen allele CA338340589.